The following is an entry in ClinVar:

NM_032776.3(JMJD1C):c.6313A>G (p.Met2105Val)

Gene: JMJD1C (jumonji domain containing 1C; minus strand). Cytogenetic location: 10q21.3.
Variant type: single nucleotide variant.
Coding change: c.6313A>G on transcript NM_032776.3 (MANE Select); coding-DNA position 6313, A replaced by G.
Protein change: p.Met2105Val; replaces methionine 2105 with valine.
Molecular consequence: missense variant. On other transcripts: non-coding transcript variant (1).
Genome position (GRCh38, 1-based): chr10:63,189,425, T>C on the plus strand (A>G on the coding strand, the complement: JMJD1C is on the minus strand). VCF-style: chr10-63189425-T-C. GRCh37 (hg19) VCF-style: chr10-64949185-T-C.
Other names: c.5767A>G, p.Met1923Val (NM_001282948.2, NM_001318154.2); c.5449A>G, p.Met1817Val (NM_001318153.2); c.6199A>G, p.Met2067Val (NM_001322252.2); c.5656A>G, p.Met1886Val (NM_001322254.2, NM_001322258.2); short protein forms M1817V, M2067V, M1886V, M1923V, M2105V.
Identifiers: ClinVar variation 965379 (VCV000965379.7), dbSNP rs773164099, ClinGen allele CA5517890.

ClinVar aggregate classification (germline): Uncertain significance (1 of 4 stars; one submission).

Conditions:
Early Myoclonic Encephalopathy. Identifiers: MedGen C0270855.

Allele frequency attached by ClinVar (database versions not stated): TOPMed 0.00002; ExAC 0.00001; gnomAD exomes 0.00004; gnomAD 0.00005.
gnomAD v4.1: 44 of 1,612,676 alleles (0.0027%); highest among the groups gnomAD compares: Admixed American, 0.0084%; no homozygotes.

Submission:

Labcorp Genetics (formerly Invitae), Labcorp
Classification: Uncertain significance for Early Myoclonic Encephalopathy. Last evaluated: 2025-02-24. Review status: criteria provided, single submitter. Criteria: Invitae Variant Classification Sherloc (09022015). Collection method: clinical testing. Allele origin: germline.
Comment: This sequence change replaces methionine, which is neutral and non-polar, with valine, which is neutral and non-polar, at codon 2105 of the JMJD1C protein (p.Met2105Val). This variant is present in population databases (rs773164099, gnomAD 0.009%). This variant has not been reported in the literature in individuals affected with JMJD1C-related conditions. ClinVar contains an entry for this variant (Variation ID: 965379). Invitae Evidence Modeling of protein sequence and biophysical properties (such as structural, functional, and spatial information, amino acid conservation, physicochemical variation, residue mobility, and thermodynamic stability) indicates that this missense variant is not expected to disrupt JMJD1C protein function with a negative predictive value of 80%. In summary, the available evidence is currently insufficient to determine the role of this variant in disease. Therefore, it has been classified as a Variant of Uncertain Significance.